The following is an entry in ClinVar:

ClinVar aggregate classification (germline): Likely pathogenic (1 of 4 stars; one submission).

Conditions:
Glycogen storage disease, type II (IOPD). Also called: Pompe Disease; POMPE DISEASE, INFANTILE-ONSET; GLYCOGEN STORAGE DISEASE II, INFANTILE-ONSET; ACID ALPHA-GLUCOSIDASE DEFICIENCY, INFANTILE-ONSET; GAA DEFICIENCY, INFANTILE-ONSET; ACID MALTASE DEFICIENCY, INFANTILE-ONSET. Identifiers: Orphanet 365, MedGen C0017921, MONDO:0009290, OMIM 232300.

Submission:

Labcorp Genetics (formerly Invitae), Labcorp
Classification: Likely pathogenic for Glycogen storage disease, type II. Last evaluated: 2025-04-13. Review status: criteria provided, single submitter. Criteria: Invitae Variant Classification Sherloc (09022015). Collection method: clinical testing. Allele origin: germline.
Comment: This sequence change affects a donor splice site in intron 15 of the GAA gene. It is expected to disrupt RNA splicing. Variants that disrupt the donor or acceptor splice site typically lead to a loss of protein function (PMID: 16199547), and loss-of-function variants in GAA are known to be pathogenic (PMID: 18425781, 22252923). This variant is not present in population databases (gnomAD no frequency). This variant has not been reported in the literature in individuals affected with GAA-related conditions. Algorithms developed to predict the effect of sequence changes on RNA splicing suggest that this variant may disrupt the consensus splice site. In summary, the currently available evidence indicates that the variant is pathogenic, but additional data are needed to prove that conclusively. Therefore, this variant has been classified as Likely Pathogenic.

Literature cited by the submitters: PubMed 16199547; PubMed 18425781; PubMed 22252923.

NM_000152.5(GAA):c.2189+2T>C

Gene: GAA (alpha glucosidase; plus strand). Cytogenetic location: 17q25.3.
Variant type: single nucleotide variant.
Coding change: c.2189+2T>C on transcript NM_000152.5 (MANE Select); the canonical splice donor site of the intron after coding-DNA position 2189, T replaced by C.
Molecular consequence: splice donor variant.
Genome position (GRCh38, 1-based): chr17:80,113,368, T>C. VCF-style: chr17-80113368-T-C. GRCh37 (hg19) VCF-style: chr17-78087167-T-C.
Other names: c.2189+2T>C (NM_001406741.1, NM_001406742.1, NM_001079803.3 and 1 more transcripts).
Identifiers: ClinVar variation 4716888 (VCV004716888.1).
Genomic context (GRCh38, chr17:80,113,368, plus strand): 5'-ACACTGTTCCACCAGGCCCACGTCGCGGGGGAGACCGTGGCCCGGCCCCTCTTCCTGGAG[T>C]GAGTGACCTAGGCAGGGGCGGTGGCCCATGTGTGCCCTGGGGGAGGGGCACGTAACTCCC-3'